The following is an entry in ClinVar:

ClinVar aggregate classification (germline): Uncertain significance (1 of 4 stars; one submission).

Conditions:
MHC class II deficiency. Also called: BLS, TYPE II; Bare lymphocyte syndrome 2. Identifiers: Orphanet 572, MedGen C5447452, MONDO:0008855.

Allele frequency attached by ClinVar (database versions not stated): gnomAD exomes below 0.00001; TOPMed below 0.00001; gnomAD 0.00001.
gnomAD v4.1: 3 of 1,614,086 alleles (0.00019%); highest among the groups gnomAD compares: Non-Finnish European, 0.00025%; no homozygotes.

Submission:

Labcorp Genetics (formerly Invitae), Labcorp
Classification: Uncertain significance for MHC class II deficiency. Last evaluated: 2021-06-14. Review status: criteria provided, single submitter. Criteria: Invitae Variant Classification Sherloc (09022015). Collection method: clinical testing. Allele origin: germline.
Comment: This variant is not present in population databases (ExAC no frequency). In summary, the available evidence is currently insufficient to determine the role of this variant in disease. Therefore, it has been classified as a Variant of Uncertain Significance. Algorithms developed to predict the effect of missense changes on protein structure and function (SIFT, PolyPhen-2, Align-GVGD) all suggest that this variant is likely to be disruptive, but these predictions have not been confirmed by published functional studies and their clinical significance is uncertain. This variant has not been reported in the literature in individuals with RFX5-related conditions. This sequence change replaces proline with serine at codon 129 of the RFX5 protein (p.Pro129Ser). The proline residue is highly conserved and there is a moderate physicochemical difference between proline and serine.

NM_001025603.2(RFX5):c.385C>T (p.Pro129Ser)

Gene: RFX5 (regulatory factor X5; minus strand). Cytogenetic location: 1q21.3.
Variant type: single nucleotide variant.
Coding change: c.385C>T on transcript NM_001025603.2 (MANE Select); coding-DNA position 385, C replaced by T.
Protein change: p.Pro129Ser; replaces proline 129 with serine.
Molecular consequence: missense variant.
Genome position (GRCh38, 1-based): chr1:151,344,505, G>A on the plus strand (C>T on the coding strand, the complement: RFX5 is on the minus strand). VCF-style: chr1-151344505-G-A. GRCh37 (hg19) VCF-style: chr1-151316981-G-A.
Other names: c.385C>T, p.Pro129Ser (NM_000449.4, NM_001379412.1, NM_001379413.1 and 5 more transcripts); c.265C>T, p.Pro89Ser (NM_001379419.1, NM_001379420.1); short protein forms P129S, P89S.
Identifiers: ClinVar variation 1043706 (VCV001043706.8), dbSNP rs1486774899, ClinGen allele CA341941911.